The following is an entry in ClinVar:

NM_001002295.2(GATA3):c.838A>G (p.Thr280Ala)

Gene: GATA3 (GATA binding protein 3; plus strand). Cytogenetic location: 10p14.
Variant type: single nucleotide variant.
Coding change: c.838A>G on transcript NM_001002295.2 (MANE Select); coding-DNA position 838, A replaced by G.
Protein change: p.Thr280Ala; replaces threonine 280 with alanine.
Molecular consequence: missense variant.
Genome position (GRCh38, 1-based): chr10:8,064,052, A>G. VCF-style: chr10-8064052-A-G. GRCh37 (hg19) VCF-style: chr10-8106015-A-G.
Other names: c.835A>G, p.Thr279Ala (NM_002051.3); short protein forms T279A, T280A.
Identifiers: ClinVar variation 2640296 (VCV002640296.24), dbSNP rs2131500644, ClinGen allele CA375973494.
Genomic context (GRCh38, chr10:8,064,052, plus strand): 5'-GAAGGCAGGGAGTGTGTGAACTGTGGGGCAACCTCGACCCCACTGTGGCGGCGAGATGGC[A>G]CGGGACACTACCTGTGCAACGCCTGCGGGCTCTATCACAAAATGAACGGACAGAACCGGC-3'
Protein context (NP_001002295.1, residues 270-290): TSTPLWRRDG[Thr280Ala]GHYLCNACGL

ClinVar aggregate classification (germline): Uncertain significance (1 of 4 stars; one submission).

Submission:

CeGaT Center for Human Genetics Tuebingen
Classification: Uncertain significance. Last evaluated: 2023-10-01. Review status: criteria provided, single submitter. Criteria: CeGaT Center For Human Genetics Tuebingen Variant Classification Criteria Version 2. Collection method: clinical testing. Allele origin: germline. Affected: yes. Observed: 1 variant allele.
Comment: GATA3: PM2, PP3